The following is an entry in ClinVar:

ClinVar aggregate classification (germline): Uncertain significance. Review status: criteria provided, multiple submitters, no conflicts (2 of 4 stars). 3 submissions from 3 submitters: Uncertain significance (3). Last evaluated 2025-01-06.

Conditions:
Retinitis pigmentosa 74 (RP74). Identifiers: Orphanet 791, MedGen C4225281, MONDO:0014692, OMIM 616562.
Bardet-Biedl syndrome 2 (BBS2). Identifiers: Orphanet 110, MedGen C2936863, MONDO:0014432, OMIM 615981.
Bardet-Biedl syndrome (BBS). Identifiers: Orphanet 110, MedGen C0752166, MONDO:0015229.

Allele frequency attached by ClinVar (database versions not stated): gnomAD exomes below 0.00001.
gnomAD v4.1: 1 of 1,614,080 alleles (0.000062%); highest among the groups gnomAD compares: East Asian, 0.0022%; no homozygotes.

Submissions (3):

Labcorp Genetics (formerly Invitae), Labcorp
Classification: Uncertain significance for Bardet-Biedl syndrome. Last evaluated: 2025-01-06. Review status: criteria provided, single submitter. Criteria: Invitae Variant Classification Sherloc (09022015). Collection method: clinical testing. Allele origin: germline.
Comment: This sequence change replaces alanine, which is neutral and non-polar, with valine, which is neutral and non-polar, at codon 143 of the BBS2 protein (p.Ala143Val). This variant is not present in population databases (gnomAD no frequency). This variant has not been reported in the literature in individuals affected with BBS2-related conditions. ClinVar contains an entry for this variant (Variation ID: 1386317). Invitae Evidence Modeling of protein sequence and biophysical properties (such as structural, functional, and spatial information, amino acid conservation, physicochemical variation, residue mobility, and thermodynamic stability) indicates that this missense variant is not expected to disrupt BBS2 protein function with a negative predictive value of 80%. In summary, the available evidence is currently insufficient to determine the role of this variant in disease. Therefore, it has been classified as a Variant of Uncertain Significance.

Fulgent Genetics
Classification: Uncertain significance for Bardet-Biedl syndrome 2; Retinitis pigmentosa 74. Last evaluated: 2024-05-17. Review status: criteria provided, single submitter. Criteria: ACMG Guidelines, 2015. Collection method: clinical testing. Allele origin: germline.

Blueprint Genetics
Classification: Uncertain significance. Last evaluated: 2023-03-24. Review status: criteria provided, single submitter. Criteria: ACMG Guidelines, 2015. Collection method: clinical testing. Allele origin: germline.

NM_031885.5(BBS2):c.428C>T (p.Ala143Val)

Gene: BBS2 (Bardet-Biedl syndrome 2; minus strand). Cytogenetic location: 16q13.
Variant type: single nucleotide variant.
Coding change: c.428C>T on transcript NM_031885.5 (MANE Select); coding-DNA position 428, C replaced by T.
Protein change: p.Ala143Val; replaces alanine 143 with valine.
Molecular consequence: missense variant. On other transcripts: non-coding transcript variant (5).
Genome position (GRCh38, 1-based): chr16:56,511,202, G>A on the plus strand (C>T on the coding strand, the complement: BBS2 is on the minus strand). VCF-style: chr16-56511202-G-A. GRCh37 (hg19) VCF-style: chr16-56545114-G-A.
Other names: c.428C>T, p.Ala143Val (NM_001377456.1); short protein forms A143V.
Identifiers: ClinVar variation 1386317 (VCV001386317.8), dbSNP rs2144181662, ClinGen allele CA395984389.